The following is an entry in ClinVar:

NM_201596.3(CACNB2):c.1363G>A (p.Asp455Asn)

Gene: CACNB2 (calcium voltage-gated channel auxiliary subunit beta 2; plus strand). Cytogenetic location: 10p12.31.
Variant type: single nucleotide variant.
Coding change: c.1363G>A on transcript NM_201596.3 (MANE Select); coding-DNA position 1363, G replaced by A.
Protein change: p.Asp455Asn; replaces aspartic acid 455 with asparagine.
Molecular consequence: missense variant.
Genome position (GRCh38, 1-based): chr10:18,538,240, G>A. VCF-style: chr10-18538240-G-A. GRCh37 (hg19) VCF-style: chr10-18827169-G-A.
Other names: c.1201G>A (NM_201590.2); c.1198G>A, p.Asp400Asn (NM_000724.4); c.1165G>A, p.Asp389Asn (NM_001167945.2); c.1084G>A, p.Asp362Asn (NM_001330060.2); c.1219G>A, p.Asp407Asn (NM_201570.3); c.1279G>A, p.Asp427Asn (NM_201571.4); c.1207G>A, p.Asp403Asn (NM_201572.4); c.1201G>A, p.Asp401Asn (NM_201590.3); and 2 more; short protein forms D362N, D389N, D400N, D401N, D403N, D407N, D417N, D427N.
Identifiers: ClinVar variation 1006413 (VCV001006413.5), dbSNP rs780208478, ClinGen allele CA5430013.

ClinVar aggregate classification (germline): Uncertain significance. Review status: criteria provided, multiple submitters, no conflicts (2 of 4 stars). 2 submissions from 2 submitters: Uncertain significance (2). Last evaluated 2025-06-27.

Conditions:
Brugada syndrome 4 (BRGDA4). Identifiers: Orphanet 130, MedGen C2678477, MONDO:0012743, OMIM 611876.
Cardiovascular phenotype. Identifiers: MedGen CN230736.

Allele frequency attached by ClinVar (database versions not stated): gnomAD exomes 0.00001; ExAC 0.00002.
gnomAD v4.1: 10 of 1,614,066 alleles (0.00062%); highest among the groups gnomAD compares: African/African-American, 0.0013%; no homozygotes.

Submissions (2):

Ambry Genetics
Classification: Uncertain significance for Cardiovascular phenotype. Last evaluated: 2025-06-27. Review status: criteria provided, single submitter. Criteria: Ambry Variant Classification Scheme 2023. Collection method: clinical testing. Allele origin: germline.

Labcorp Genetics (formerly Invitae), Labcorp
Classification: Uncertain significance for Brugada syndrome 4. Last evaluated: 2021-08-31. Review status: criteria provided, single submitter. Criteria: Invitae Variant Classification Sherloc (09022015). Collection method: clinical testing. Allele origin: germline.
Comment: This sequence change replaces aspartic acid with asparagine at codon 401 of the CACNB2 protein (p.Asp401Asn). The aspartic acid residue is highly conserved and there is a small physicochemical difference between aspartic acid and asparagine. This variant is present in population databases (rs780208478, ExAC 0.003%). This variant has not been reported in the literature in individuals affected with CACNB2-related conditions. Algorithms developed to predict the effect of missense changes on protein structure and function are either unavailable or do not agree on the potential impact of this missense change (SIFT: "Deleterious"; PolyPhen-2: "Probably Damaging"; Align-GVGD: "Class C0"). In summary, the available evidence is currently insufficient to determine the role of this variant in disease. Therefore, it has been classified as a Variant of Uncertain Significance.